The following is an entry in ClinVar:

ClinVar aggregate classification (germline): Conflicting classifications of pathogenicity. Review status: criteria provided, conflicting classifications (1 of 4 stars). 4 submissions from 4 submitters: Uncertain significance (2); Likely benign (2). Last evaluated 2026-01-17.

Conditions:
Joubert syndrome 17 (JBTS17). Identifiers: Orphanet 475, MedGen C3553264, MONDO:0013824, OMIM 614615.

Allele frequency attached by ClinVar (database versions not stated): ESP Exome Variant Server 0.00008; ExAC 0.00011; gnomAD exomes 0.00014 and 0.00037; gnomAD 0.00018; TOPMed 0.00025.
gnomAD v4.1: 555 of 1,605,284 alleles (0.035%); highest among the groups gnomAD compares: Non-Finnish European, 0.045%; no homozygotes.

Submissions (4):

Labcorp Genetics (formerly Invitae), Labcorp
Classification: Likely benign. Last evaluated: 2026-01-17. Review status: criteria provided, single submitter. Criteria: Invitae Variant Classification Sherloc (09022015). Collection method: clinical testing. Allele origin: germline.

Blueprint Genetics
Classification: Likely benign. Last evaluated: 2024-04-17. Review status: criteria provided, single submitter. Criteria: ACMG Guidelines, 2015. Collection method: clinical testing. Allele origin: germline.

GeneDx
Classification: Uncertain significance. Last evaluated: 2023-11-30. Review status: criteria provided, single submitter. Criteria: GeneDx Variant Classification Process June 2021. Collection method: clinical testing. Allele origin: germline. Affected: yes.
Comment: In silico analysis supports that this variant does not alter splicing; Has not been previously published as pathogenic or benign to our knowledge

Illumina Laboratory Services, Illumina
Classification: Uncertain significance for Joubert syndrome 17. Last evaluated: 2018-01-13. Review status: criteria provided, single submitter. Criteria: ICSL Variant Classification Criteria 13 December 2019. Collection method: clinical testing. Allele origin: germline.

NM_001384732.1(CPLANE1):c.3812-5T>G

Gene: CPLANE1 (ciliogenesis and planar polarity effector complex subunit 1; minus strand). Cytogenetic location: 5p13.2.
Variant type: single nucleotide variant.
Coding change: c.3812-5T>G on transcript NM_001384732.1 (MANE Select); 5 bases into the intron before coding-DNA position 3812, T replaced by G.
Molecular consequence: intron variant.
Genome position (GRCh38, 1-based): chr5:37,187,847, A>C on the plus strand (T>G on the coding strand, the complement: CPLANE1 is on the minus strand). VCF-style: chr5-37187847-A-C. GRCh37 (hg19) VCF-style: chr5-37187949-A-C.
Other names: c.3812-5T>G (NM_023073.4).
Identifiers: ClinVar variation 716718 (VCV000716718.14), dbSNP rs375780513, ClinGen allele CA3238846.